The following is an entry in ClinVar:

NM_003106.4(SOX2):c.281C>A (p.Ala94Asp)

Genes: SOX2 (SRY-box transcription factor 2; plus strand), SOX2-OT (SOX2 overlapping transcript; plus strand), LOC108281177 (SOX2 5' regulatory region; plus strand). Cytogenetic location: 3q26.33.
Variant type: single nucleotide variant.
Coding change: c.281C>A on transcript NM_003106.4 (MANE Select); coding-DNA position 281, C replaced by A.
Protein change: p.Ala94Asp; replaces alanine 94 with aspartic acid.
Molecular consequence: missense variant.
Genome position (GRCh38, 1-based): chr3:181,712,641, C>A. VCF-style: chr3-181712641-C-A. GRCh37 (hg19) VCF-style: chr3-181430429-C-A.
Other names: short protein forms A94D.
Identifiers: ClinVar variation 4852683 (VCV004852683.2).
Genomic context (GRCh38, chr3:181,712,641, plus strand): 5'-GCCTGGGCGCCGAGTGGAAACTTTTGTCGGAGACGGAGAAGCGGCCGTTCATCGACGAGG[C>A]TAAGCGGCTGCGAGCGCTGCACATGAAGGAGCACCCGGATTATAAATACCGGCCCCGGCG-3'
Protein context (NP_003097.1, residues 84-104): ETEKRPFIDE[Ala94Asp]KRLRALHMKE

ClinVar aggregate classification (germline): Uncertain significance (1 of 4 stars; one submission).

Submission:

Dasa
Classification: Uncertain significance. Last evaluated: 2025-12-11. Review status: criteria provided, single submitter. Criteria: DASA Assertion Criteria. Collection method: clinical testing. Allele origin: germline.
Comment: NM_003106.4(SOX2):c.281C>A (p.Ala94Asp) is a missense variant that results in the substitution of alanine with aspartic acid. The affected residue or protein region has prior evidence supporting clinical relevance. This variant is absent from population databases. Computational prediction algorithms are consistent with a deleterious effect. The currently available literature and clinical evidence are not sufficient to establish a definitive association between this variant and the reported condition. Therefore, this variant is classified as a variant of uncertain significance.